The following is an entry in ClinVar:

NM_000051.4(ATM):c.7575_7576insTTC (p.Ala2525_Arg2526insPhe)

Genes: ATM (ATM serine/threonine kinase; plus strand), C11orf65 (chromosome 11 open reading frame 65; minus strand). Cytogenetic location: 11q22.3.
Variant type: Insertion.
Coding change: c.7575_7576insTTC on transcript NM_000051.4 (MANE Select); coding-DNA positions 7575 to 7576, TTC inserted.
Protein change: p.Ala2525_Arg2526insPhe.
Molecular consequence: inframe insertion. On other transcripts: non-coding transcript variant (1), intron variant (2).
Genome position: GRCh38 VCF-style: chr11-108331503-T-TTTC. GRCh37 (hg19) VCF-style: chr11-108202230-T-TTTC.
Other names: c.7575_7576insTTC, p.Ala2525_Arg2526insPhe (NM_001351834.2); c.641-22433_641-22432insGAA (NM_001330368.2); c.*38+3716_*38+3717insGAA (NM_001351110.2).
Identifiers: ClinVar variation 478954 (VCV000478954.10), dbSNP rs1555124054, ClinGen allele CA658656293.
Genomic context (GRCh38, chr11:108,331,503, plus strand): 5'-GAGAGACGGAATGAAGATTCCAACATATAAATTTTTGCCTCTTATGTACCAATTGGCTGC[T>TTTC]AGAATGGGGACCAAGATGATGGGAGGCCTAGGATTTCATGAAGTCCTCAATAATGTAAGT-3'

ClinVar aggregate classification (germline): Uncertain significance. Review status: criteria provided, multiple submitters, no conflicts (2 of 4 stars). 2 submissions from 2 submitters: Uncertain significance (2). Last evaluated 2023-09-26.

Conditions:
Hereditary cancer-predisposing syndrome. Also called: Neoplastic Syndromes, Hereditary; Hereditary Cancer Syndrome; Tumor predisposition; Hereditary neoplastic syndrome. Identifiers: Orphanet 140162, MedGen C0027672, MeSH D009386, MONDO:0015356.
Ataxia-telangiectasia syndrome (AT). Also called: LOUIS-BAR SYNDROME; Cerebello-oculocutaneous telangiectasia; Immunodeficiency with ataxia telangiectasia; Ataxia-telangiectasia, complementation group D; AT, COMPLEMENTATION GROUP C; Ataxia-telangiectasia, complementation group E. Identifiers: Orphanet 100, MedGen C0004135, MONDO:0008840, OMIM 208900.

Submissions (2):

Labcorp Genetics (formerly Invitae), Labcorp
Classification: Uncertain significance for Ataxia-telangiectasia syndrome. Last evaluated: 2023-09-26. Review status: criteria provided, single submitter. Criteria: Invitae Variant Classification Sherloc (09022015). Collection method: clinical testing. Allele origin: germline.
Comment: This variant, c.7575_7576insTTC, results in the insertion of 1 amino acid(s) of the ATM protein (p.Ala2525_Arg2526insPhe), but otherwise preserves the integrity of the reading frame. This variant is not present in population databases (gnomAD no frequency). This variant has not been reported in the literature in individuals affected with ATM-related conditions. ClinVar contains an entry for this variant (Variation ID: 478954). Experimental studies and prediction algorithms are not available or were not evaluated, and the functional significance of this variant is currently unknown. In summary, the available evidence is currently insufficient to determine the role of this variant in disease. Therefore, it has been classified as a Variant of Uncertain Significance.

Ambry Genetics
Classification: Uncertain significance for Hereditary cancer-predisposing syndrome. Last evaluated: 2016-02-23. Review status: criteria provided, single submitter. Criteria: Ambry Variant Classification Scheme 2023. Collection method: clinical testing. Allele origin: germline.
Comment: The c.7575_7576insTTC variant (also known as p.A2525_R2526insF), located in coding exon 50 of the ATM gene, results from an in-frame insertion of 3 nucleotides between positions 7575 and 7576 and causes the insertion of a phenylalanine residue in a region which is well conserved in available vertebrate species. This variant was not reported in population based cohorts in the following databases: Database of Single Nucleotide Polymorphisms (dbSNP), NHLBI Exome Sequencing Project (ESP), and 1000 Genomes Project. In the ESP, this variant was not observed in 6499 samples (12998 alleles) with coverage at this position. To date, this alteration has been detected with an allele frequency of approximately 0.001% (greater than 125000 alleles tested) in our clinical cohort. Since supporting evidence is limited at this time, the clinical significance of this alteration remains unclear.